The following is an entry in ClinVar:

ClinVar aggregate classification (germline): Uncertain significance. Review status: criteria provided, multiple submitters, no conflicts (2 of 4 stars). 8 submissions from 5 submitters: Uncertain significance (8). Last evaluated 2025-08-17.

Conditions:
Congenital myopathy 18. Also called: Myopathy, congenital, due to dihydropyridine receptor defect; DIHYDROPYRIDINE RECEPTOR CONGENITAL MYOPATHY; DHPR CONGENITAL MYOPATHY. Identifiers: MedGen C5830283, MONDO:0859514, OMIM 620246.
Inborn genetic diseases. Identifiers: MedGen C0950123, MeSH D030342.
Hypokalemic periodic paralysis, type 1. Also called: HypoPP; Hypokalemic Periodic Paralysis Type 1 (AD). Identifiers: Orphanet 681, MedGen C3714580, MONDO:0042979, OMIM 170400.
Malignant hyperthermia, susceptibility to, 5 (MHS5). Also called: CACNA1S-Related Malignant Hyperthermia Susceptibility. Identifiers: Orphanet 423, MedGen C1866077, MONDO:0011163, OMIM 601887.
Thyrotoxic periodic paralysis, susceptibility to, 1 (TTPP1). Identifiers: Orphanet 79102, MedGen C2749982, MONDO:0008570, OMIM 188580.

Allele frequency attached by ClinVar (database versions not stated): TOPMed below 0.00001; gnomAD exomes 0.00001.
gnomAD v4.1: 11 of 1,614,206 alleles (0.00068%); highest among the groups gnomAD compares: Non-Finnish European, 0.00085%; no homozygotes.

Submissions (8):

Color Diagnostics, LLC DBA Color Health
Classification: Uncertain significance for Malignant hyperthermia, susceptibility to, 5. Last evaluated: 2025-08-17. Review status: criteria provided, single submitter. Criteria: ACMG Guidelines, 2015. Collection method: clinical testing. Allele origin: germline.
Comment: This missense variant replaces proline with serine at codon 1268 of the CACNA1S protein. Computational prediction suggests that this variant may have deleterious impact on protein structure and function. To our knowledge, functional studies have not been reported for this variant. This variant has not been reported in individuals affected with CACNA1S-related disorders in the literature. This variant has not been identified in the general population by the Genome Aggregation Database (gnomAD). The available evidence is insufficient to determine the role of this variant in disease conclusively. Therefore, this variant is classified as a Variant of Uncertain Significance.

All of Us Research Program, National Institutes of Health
Classification: Uncertain significance for Malignant hyperthermia, susceptibility to, 5. Last evaluated: 2023-08-15. Review status: criteria provided, single submitter. Criteria: ACMG Guidelines, 2015. Collection method: clinical testing. Allele origin: germline. Inheritance: Autosomal dominant inheritance. Observed: 2 variant alleles, 2 heterozygotes.
Comment: This study involves interpretation of variants in research participants for the purpose of population health screening. Participant phenotype was not available at the time of variant classification. Additional details can be found in publication PMID: 35346344, PMCID: PMC8962531

Labcorp Genetics (formerly Invitae), Labcorp
Classification: Uncertain significance for Hypokalemic periodic paralysis, type 1; Malignant hyperthermia, susceptibility to, 5. Last evaluated: 2023-07-23. Review status: criteria provided, single submitter. Criteria: Invitae Variant Classification Sherloc (09022015). Collection method: clinical testing. Allele origin: germline.
Comment: This sequence change replaces proline, which is neutral and non-polar, with serine, which is neutral and polar, at codon 1268 of the CACNA1S protein (p.Pro1268Ser). This variant is not present in population databases (gnomAD no frequency). This variant has not been reported in the literature in individuals affected with CACNA1S-related conditions. ClinVar contains an entry for this variant (Variation ID: 581768). Advanced modeling of protein sequence and biophysical properties (such as structural, functional, and spatial information, amino acid conservation, physicochemical variation, residue mobility, and thermodynamic stability) performed at Invitae indicates that this missense variant is expected to disrupt CACNA1S protein function. In summary, the available evidence is currently insufficient to determine the role of this variant in disease. Therefore, it has been classified as a Variant of Uncertain Significance.

Ambry Genetics
Classification: Uncertain significance for Inborn genetic diseases. Last evaluated: 2023-06-06. Review status: criteria provided, single submitter. Criteria: Ambry Variant Classification Scheme 2023. Collection method: clinical testing. Allele origin: germline.

Genome-Nilou Lab
Classification: Uncertain significance for Malignant hyperthermia, susceptibility to, 5. Last evaluated: 2023-04-11. Review status: criteria provided, single submitter. Criteria: ACMG Guidelines, 2015. Collection method: clinical testing. Allele origin: germline. Affected: no.

Genome-Nilou Lab
Classification: Uncertain significance for Thyrotoxic periodic paralysis, susceptibility to, 1. Last evaluated: 2023-04-11. Review status: criteria provided, single submitter. Criteria: ACMG Guidelines, 2015. Collection method: clinical testing. Allele origin: germline. Affected: no.

Genome-Nilou Lab
Classification: Uncertain significance for Congenital myopathy 18. Last evaluated: 2023-04-11. Review status: criteria provided, single submitter. Criteria: ACMG Guidelines, 2015. Collection method: clinical testing. Allele origin: germline. Affected: no.

Genome-Nilou Lab
Classification: Uncertain significance for Hypokalemic periodic paralysis, type 1. Last evaluated: 2023-04-11. Review status: criteria provided, single submitter. Criteria: ACMG Guidelines, 2015. Collection method: clinical testing. Allele origin: germline. Affected: no.

NM_000069.3(CACNA1S):c.3802C>T (p.Pro1268Ser)

Gene: CACNA1S (calcium voltage-gated channel subunit alpha1 S; minus strand). Cytogenetic location: 1q32.1.
Variant type: single nucleotide variant.
Coding change: c.3802C>T on transcript NM_000069.3 (MANE Select); coding-DNA position 3802, C replaced by T.
Protein change: p.Pro1268Ser; replaces proline 1268 with serine.
Molecular consequence: missense variant.
Genome position (GRCh38, 1-based): chr1:201,053,268, G>A on the plus strand (C>T on the coding strand, the complement: CACNA1S is on the minus strand). VCF-style: chr1-201053268-G-A. GRCh37 (hg19) VCF-style: chr1-201022396-G-A.
Other names: short protein forms P1268S.
Identifiers: ClinVar variation 581768 (VCV000581768.16), dbSNP rs921262693, ClinGen allele CA36002583.